The following is an entry in ClinVar:

ClinVar aggregate classification (germline): Likely benign. Review status: criteria provided, multiple submitters, no conflicts (2 of 4 stars). 2 submissions from 2 submitters: Likely benign (2). Last evaluated 2024-11-28.

Conditions:
Catecholaminergic polymorphic ventricular tachycardia 1. Also called: RYR2-Related Catecholaminergic Polymorphic Ventricular Tachycardia; VENTRICULAR TACHYCARDIA, STRESS-INDUCED POLYMORPHIC 1; VENTRICULAR TACHYCARDIA, CATECHOLAMINERGIC POLYMORPHIC, 1, WITH OR WITHOUT ATRIAL DYSFUNCTION AND/OR DILATED CARDIOMYOPATHY. Identifiers: Orphanet 3286, MedGen C1631597, MONDO:0011484, OMIM 604772.
Catecholaminergic polymorphic ventricular tachycardia (CVPT). Also called: Catecholamine-induced polymorphic ventricular tachycardia. Identifiers: Orphanet 3286, MedGen C5574922, MONDO:0017990.

Submissions (2):

Labcorp Genetics (formerly Invitae), Labcorp
Classification: Likely benign for Catecholaminergic polymorphic ventricular tachycardia 1. Last evaluated: 2024-11-28. Review status: criteria provided, single submitter. Criteria: Invitae Variant Classification Sherloc (09022015). Collection method: clinical testing. Allele origin: germline.

All of Us Research Program, National Institutes of Health
Classification: Likely benign for Catecholaminergic polymorphic ventricular tachycardia. Last evaluated: 2024-02-05. Review status: criteria provided, single submitter. Criteria: ACMG Guidelines, 2015. Collection method: clinical testing. Allele origin: germline. Inheritance: Autosomal dominant inheritance. Observed: 1 variant allele, 1 heterozygote.
Comment: This study involves interpretation of variants in research participants for the purpose of population health screening. Participant phenotype was not available at the time of variant classification. Additional details can be found in publication PMID: 35346344, PMCID: PMC8962531

NM_001035.3(RYR2):c.7497T>A (p.Ala2499=)

Gene: RYR2 (ryanodine receptor 2; plus strand). Cytogenetic location: 1q43.
Variant type: single nucleotide variant.
Coding change: c.7497T>A on transcript NM_001035.3 (MANE Select); coding-DNA position 7497, T replaced by A.
Protein change: p.Ala2499=; no amino-acid change (alanine 2499 retained).
Molecular consequence: synonymous variant.
Genome position (GRCh38, 1-based): chr1:237,648,598, T>A. VCF-style: chr1-237648598-T-A. GRCh37 (hg19) VCF-style: chr1-237811898-T-A.
Identifiers: ClinVar variation 3075438 (VCV003075438.3), dbSNP rs1160048093, ClinGen allele CA423819771.